The following is an entry in ClinVar:

ClinVar aggregate classification (germline): Uncertain significance. Review status: criteria provided, single submitter (1 of 4 stars). 2 submissions from 2 submitters: Uncertain significance (1). 1 of the submissions does not count toward it. Last evaluated 2022-06-08.

Conditions:
Autosomal recessive nonsyndromic hearing loss 18A. Also called: Deafness, autosomal recessive 18A; DEAFNESS, AUTOSOMAL RECESSIVE 18. Identifiers: Orphanet 90636, MedGen C1865870, MONDO:0011192, OMIM 602092.
Usher syndrome type 1C. Also called: USHER SYNDROME, TYPE I, ACADIAN VARIETY. Identifiers: Orphanet 231169, Orphanet 886, MedGen C1848604, MONDO:0010171, OMIM 276904.

Submissions (2):

Labcorp Genetics (formerly Invitae), Labcorp
Classification: Uncertain significance. Last evaluated: 2022-06-08. Review status: criteria provided, single submitter. Criteria: Invitae Variant Classification Sherloc (09022015). Collection method: clinical testing. Allele origin: germline.
Comment: This variant, c.915_920del, results in the deletion of 2 amino acid(s) of the USH1C protein (p.Glu306_Ala307del), but otherwise preserves the integrity of the reading frame. This variant is present in population databases (no rsID available, gnomAD 0.002%). This variant has not been reported in the literature in individuals affected with USH1C-related conditions. ClinVar contains an entry for this variant (Variation ID: 553236). Experimental studies and prediction algorithms are not available or were not evaluated, and the functional significance of this variant is currently unknown. In summary, the available evidence is currently insufficient to determine the role of this variant in disease. Therefore, it has been classified as a Variant of Uncertain Significance.

Counsyl
Classification: Uncertain significance for Usher syndrome type 1C; Autosomal recessive nonsyndromic hearing loss 18A. Last evaluated: 2017-08-08. Review status: no assertion criteria provided. Collection method: clinical testing. Allele origin: unknown. Not counted in ClinVar's aggregate classification.

NM_153676.4(USH1C):c.915_920del (p.Glu306_Ala307del)

Gene: USH1C (USH1 protein network component harmonin; minus strand). Cytogenetic location: 11p15.1.
Variant type: Deletion.
Coding change: c.915_920del on transcript NM_153676.4 (MANE Select); coding-DNA positions 915 to 920, 6 bases deleted (AGAGGC; older notation c.915_920delAGAGGC).
Protein change: p.Glu306_Ala307del.
Molecular consequence: inframe deletion. On other transcripts: non-coding transcript variant (1).
Genome position (GRCh38, 1-based): chr11:17,522,883-17,522,888, GCCTCT deleted on the plus strand (AGAGGC on the coding strand, the reverse complement: USH1C is on the minus strand); deleting any 6 consecutive bases within chr11:17,522,883-17,522,891 gives the same sequence; the c. name uses the placement nearest the transcript's 3' end. VCF-style (leftmost placement, unchanged base first): chr11-17522882-CGCCTCT-C. GRCh37 (hg19) VCF-style: chr11-17544429-CGCCTCT-C.
Other names: c.858_863del, p.Glu287_Ala288del (NM_001297764.2); c.915_920del, p.Glu306_Ala307del (NM_005709.4).
Identifiers: ClinVar variation 553236 (VCV000553236.4), dbSNP rs1554960929, ClinGen allele CA597667740.